The following is an entry in ClinVar:

NM_206933.4(USH2A):c.6523C>T (p.Arg2175Cys)

Gene: USH2A (usherin; minus strand). Cytogenetic location: 1q41.
Variant type: single nucleotide variant.
Coding change: c.6523C>T on transcript NM_206933.4 (MANE Select); coding-DNA position 6523, C replaced by T.
Protein change: p.Arg2175Cys; replaces arginine 2175 with cysteine.
Molecular consequence: missense variant.
Genome position (GRCh38, 1-based): chr1:215,999,021, G>A on the plus strand (C>T on the coding strand, the complement: USH2A is on the minus strand). VCF-style: chr1-215999021-G-A. GRCh37 (hg19) VCF-style: chr1-216172363-G-A.
Other names: short protein forms R2175C.
Identifiers: ClinVar variation 3602233 (VCV003602233.3).
Genomic context (GRCh38, chr1:215,999,021, plus strand): 5'-TATAGATGACACTCCAAATTGTAAAATCATGTGTATGGTTTGACATATATAATACATAGC[G>A]TTCCAGAATCCCACTTATTTTTCTTGGTTGTTTCCACCTGGGAATGGTAAAATACATTAT-3'
Protein context (NP_996816.3, residues 2165-2185): QPRKISGILE[Arg2175Cys]YVLYMSNHTH

ClinVar aggregate classification (germline): Uncertain significance. Review status: criteria provided, multiple submitters, no conflicts (2 of 4 stars). 3 submissions from 3 submitters: Uncertain significance (3). Last evaluated 2025-01-23.

Conditions:
Inborn genetic diseases. Identifiers: MedGen C0950123, MeSH D030342.

gnomAD v4.1: 47 of 1,612,032 alleles (0.0029%); highest among the groups gnomAD compares: Admixed American, 0.018%; no homozygotes.

Submissions (3):

Ambry Genetics
Classification: Uncertain significance for Inborn genetic diseases. Last evaluated: 2025-01-23. Review status: criteria provided, single submitter. Criteria: Ambry Variant Classification Scheme 2023. Collection method: clinical testing. Allele origin: germline.

GeneDx
Classification: Uncertain significance. Last evaluated: 2024-08-02. Review status: criteria provided, single submitter. Criteria: GeneDx Variant Classification Process June 2021. Collection method: clinical testing. Allele origin: germline. Affected: yes.
Comment: In silico analysis supports that this missense variant does not alter protein structure/function; Has not been previously published as pathogenic or benign to our knowledge

Blueprint Genetics
Classification: Uncertain significance. Last evaluated: 2023-12-22. Review status: criteria provided, single submitter. Criteria: ACMG Guidelines, 2015. Collection method: clinical testing. Allele origin: germline.